The following is an entry in ClinVar:

ClinVar aggregate classification (germline): Uncertain significance (1 of 4 stars; one submission).

Conditions:
Long QT syndrome (LQTS). Identifiers: MedGen C0023976, MeSH D008133, MONDO:0002442. Disease mechanism: loss of function. Inheritance: Various modes of inheritance.

Allele frequency attached by ClinVar (database versions not stated): gnomAD 0.00001; TOPMed 0.00001.
gnomAD v4.1: 4 of 1,112,530 alleles (0.00036%); highest among the groups gnomAD compares: Non-Finnish European, 0.00044%; no homozygotes.

Submission:

Labcorp Genetics (formerly Invitae), Labcorp
Classification: Uncertain significance for Long QT syndrome. Last evaluated: 2025-10-25. Review status: criteria provided, single submitter. Criteria: Invitae Variant Classification Sherloc (09022015). Collection method: clinical testing. Allele origin: germline.
Comment: This sequence change replaces lysine, which is basic and polar, with arginine, which is basic and polar, at codon 13 of the KCNQ1 protein (p.Lys13Arg). This variant is not present in population databases (gnomAD no frequency). This missense change has been observed in individual(s) with clinical features of KCNQ1-related conditions (internal data). ClinVar contains an entry for this variant (Variation ID: 405256). Invitae Evidence Modeling of protein sequence and biophysical properties (such as structural, functional, and spatial information, amino acid conservation, physicochemical variation, residue mobility, and thermodynamic stability) has been performed for this missense variant. However, the output from this modeling did not meet the statistical confidence thresholds required to predict the impact of this variant on KCNQ1 protein function. In summary, the available evidence is currently insufficient to determine the role of this variant in disease. Therefore, it has been classified as a Variant of Uncertain Significance.

NM_000218.3(KCNQ1):c.38A>G (p.Lys13Arg)

Gene: KCNQ1 (potassium voltage-gated channel subfamily Q member 1; plus strand). Cytogenetic location: 11p15.5.
Variant type: single nucleotide variant.
Coding change: c.38A>G on transcript NM_000218.3 (MANE Select); coding-DNA position 38, A replaced by G.
Protein change: p.Lys13Arg; replaces lysine 13 with arginine.
Molecular consequence: missense variant.
Genome position (GRCh38, 1-based): chr11:2,445,136, A>G. VCF-style: chr11-2445136-A-G. GRCh37 (hg19) VCF-style: chr11-2466366-A-G.
Other names: short protein forms K13R.
Identifiers: ClinVar variation 405256 (VCV000405256.8), dbSNP rs1060500622, ClinGen allele CA16613505.